The following is an entry in ClinVar:

ClinVar aggregate classification (germline): Uncertain significance. Review status: criteria provided, multiple submitters, no conflicts (2 of 4 stars). 2 submissions from 2 submitters: Uncertain significance (2). Last evaluated 2025-05-16.

Conditions:
Inborn genetic diseases. Identifiers: MedGen C0950123, MeSH D030342.

Allele frequency attached by ClinVar (database versions not stated): ExAC 0.00001; gnomAD 0.00001; gnomAD exomes 0.00001; TOPMed 0.00001; ESP Exome Variant Server 0.00008.
gnomAD v4.1: 19 of 1,613,942 alleles (0.0012%); highest among the groups gnomAD compares: Non-Finnish European, 0.0016%; no homozygotes.

Submissions (2):

Ambry Genetics
Classification: Uncertain significance for Inborn genetic diseases. Last evaluated: 2025-05-16. Review status: criteria provided, single submitter. Criteria: Ambry Variant Classification Scheme 2023. Collection method: clinical testing. Allele origin: germline.

Labcorp Genetics (formerly Invitae), Labcorp
Classification: Uncertain significance. Last evaluated: 2023-01-10. Review status: criteria provided, single submitter. Criteria: Invitae Variant Classification Sherloc (09022015). Collection method: clinical testing. Allele origin: germline.
Comment: In summary, the available evidence is currently insufficient to determine the role of this variant in disease. Therefore, it has been classified as a Variant of Uncertain Significance. Algorithms developed to predict the effect of missense changes on protein structure and function output the following: SIFT: "Deleterious"; PolyPhen-2: "Benign"; Align-GVGD: "Class C0". The glycine amino acid residue is found in multiple mammalian species, which suggests that this missense change does not adversely affect protein function. ClinVar contains an entry for this variant (Variation ID: 971711). This variant has not been reported in the literature in individuals affected with VCAN-related conditions. This variant is present in population databases (rs150761332, gnomAD 0.003%). This sequence change replaces serine, which is neutral and polar, with glycine, which is neutral and non-polar, at codon 1449 of the VCAN protein (p.Ser1449Gly).

NM_004385.5(VCAN):c.4345A>G (p.Ser1449Gly)

Genes: VCAN (versican; plus strand), VCAN-AS1 (VCAN antisense RNA 1; minus strand). Cytogenetic location: 5q14.3.
Variant type: single nucleotide variant.
Coding change: c.4345A>G on transcript NM_004385.5 (MANE Select); coding-DNA position 4345, A replaced by G.
Protein change: p.Ser1449Gly; replaces serine 1449 with glycine.
Molecular consequence: missense variant. On other transcripts: intron variant (2).
Genome position (GRCh38, 1-based): chr5:83,537,348, A>G. VCF-style: chr5-83537348-A-G. GRCh37 (hg19) VCF-style: chr5-82833167-A-G.
Other names: c.1384A>G, p.Ser462Gly (NM_001164097.2); c.4004-8189A>G (NM_001164098.2); c.1043-8189A>G (NM_001126336.3); short protein forms S1449G, S462G.
Identifiers: ClinVar variation 971711 (VCV000971711.10), dbSNP rs150761332, ClinGen allele CA3333158.